The following is an entry in ClinVar:

ClinVar aggregate classification (germline): Uncertain significance (1 of 4 stars; one submission).

Conditions:
Brugada syndrome 8 (BRGDA8). Identifiers: Orphanet 130, MedGen C2751083, MONDO:0013148, OMIM 613123.

Submission:

Labcorp Genetics (formerly Invitae), Labcorp
Classification: Uncertain significance for Brugada syndrome 8. Last evaluated: 2023-10-11. Review status: criteria provided, single submitter. Criteria: Invitae Variant Classification Sherloc (09022015). Collection method: clinical testing. Allele origin: germline.
Comment: This sequence change replaces proline, which is neutral and non-polar, with threonine, which is neutral and polar, at codon 167 of the HCN4 protein (p.Pro167Thr). Information on the frequency of this variant in the gnomAD database is not available, as this variant may be reported differently in the database. This variant has not been reported in the literature in individuals affected with HCN4-related conditions. Experimental studies and prediction algorithms are not available or were not evaluated, and the functional significance of this variant is currently unknown. In summary, the available evidence is currently insufficient to determine the role of this variant in disease. Therefore, it has been classified as a Variant of Uncertain Significance.

NM_005477.3(HCN4):c.498_499delinsTA (p.Pro167Thr)

Gene: HCN4 (hyperpolarization activated cyclic nucleotide gated potassium channel 4; minus strand). Cytogenetic location: 15q24.1.
Variant type: Indel.
Coding change: c.498_499delinsTA on transcript NM_005477.3 (MANE Select); coding-DNA positions 498 to 499, GC replaced by TA.
Protein change: p.Pro167Thr; replaces proline 167 with threonine.
Molecular consequence: missense variant.
Genome position (GRCh38, 1-based): chr15:73,367,772-73,367,773, GC replaced by TA on the plus strand (GC replaced by TA on the coding strand, the reverse complement: HCN4 is on the minus strand). VCF-style: chr15-73367772-GC-TA. GRCh37 (hg19) VCF-style: chr15-73660113-GC-TA.
Other names: short protein forms P167T.
Identifiers: ClinVar variation 2767623 (VCV002767623.3), dbSNP rs2549080299, ClinGen allele CA2697549205.